The following is an entry in ClinVar:

NM_004415.4(DSP):c.7033G>C (p.Gly2345Arg)

Gene: DSP (desmoplakin; plus strand). Cytogenetic location: 6p24.3.
Variant type: single nucleotide variant.
Coding change: c.7033G>C on transcript NM_004415.4 (MANE Select); coding-DNA position 7033, G replaced by C.
Protein change: p.Gly2345Arg; replaces glycine 2345 with arginine.
Molecular consequence: missense variant.
Genome position (GRCh38, 1-based): chr6:7,584,295, G>C. VCF-style: chr6-7584295-G-C. GRCh37 (hg19) VCF-style: chr6-7584528-G-C.
Other names: c.5236G>C, p.Gly1746Arg (NM_001008844.3); c.5704G>C, p.Gly1902Arg (NM_001319034.2); short protein forms G2345R, G1902R, G1746R.
Identifiers: ClinVar variation 2052459 (VCV002052459.7), dbSNP rs758919943, ClinGen allele CA048952.

ClinVar aggregate classification (germline): Conflicting classifications of pathogenicity. Review status: criteria provided, conflicting classifications (1 of 4 stars). 4 submissions from 4 submitters: Uncertain significance (3); Likely benign (1). Last evaluated 2026-08-24.

Conditions:
Cardiovascular phenotype. Identifiers: MedGen CN230736.
Arrhythmogenic cardiomyopathy with wooly hair and keratoderma. Also called: Arrhythmogenic cardiomyopathy with woolly hair and keratoderma; PALMOPLANTAR KERATODERMA WITH LEFT VENTRICULAR CARDIOMYOPATHY AND WOOLLY HAIR; Carvajal syndrome; Dilated cardiomyopathy with woolly hair and keratoderma. Identifiers: Orphanet 65282, MedGen C1854063, MONDO:0011581, OMIM 605676.
Arrhythmogenic right ventricular dysplasia 8 (ARVD8). Also called: Arrhythmogenic Right Ventricular Dysplasia/Cardiomyopathy 8; ARRHYTHMOGENIC RIGHT VENTRICULAR DYSPLASIA, FAMILIAL, 8; ARRHYTHMOGENIC RIGHT VENTRICULAR CARDIOMYOPATHY 8. Identifiers: MedGen C1843896, MONDO:0011831, OMIM 607450.

Allele frequency attached by ClinVar (database versions not stated): TOPMed 0.00001; ExAC 0.00003.
gnomAD v4.1: 7 of 1,614,140 alleles (0.00043%); highest among the groups gnomAD compares: Admixed American, 0.012%; no homozygotes.

Submissions (4):

Ambry Genetics
Classification: Uncertain significance for Cardiovascular phenotype. Last evaluated: 2026-08-24. Review status: criteria provided, single submitter. Criteria: Ambry Variant Classification Scheme 2023. Collection method: clinical testing. Allele origin: germline.
Comment: The p.G2345R variant (also known as c.7033G>C), located in coding exon 24 of the DSP gene, results from a G to C substitution at nucleotide position 7033. The glycine at codon 2345 is replaced by arginine, an amino acid with dissimilar properties. This amino acid position is conserved. In addition, this alteration is predicted to be deleterious by in silico analysis. Based on the available evidence, the clinical significance of this variant remains unclear.

Labcorp Genetics (formerly Invitae), Labcorp
Classification: Likely benign for Arrhythmogenic cardiomyopathy with wooly hair and keratoderma; Arrhythmogenic right ventricular dysplasia 8. Last evaluated: 2025-04-28. Review status: criteria provided, single submitter. Criteria: Invitae Variant Classification Sherloc (09022015). Collection method: clinical testing. Allele origin: germline.

All of Us Research Program, National Institutes of Health
Classification: Uncertain significance for Arrhythmogenic cardiomyopathy with wooly hair and keratoderma. Last evaluated: 2024-03-05. Review status: criteria provided, single submitter. Criteria: ACMG Guidelines, 2015. Collection method: clinical testing. Allele origin: germline. Inheritance: Autosomal dominant inheritance. Observed: 1 variant allele, 1 heterozygote.
Comment: This study involves interpretation of variants in research participants for the purpose of population health screening. Participant phenotype was not available at the time of variant classification. Additional details can be found in publication PMID: 35346344, PMCID: PMC8962531

Blueprint Genetics
Classification: Uncertain significance. Last evaluated: 2022-05-03. Review status: criteria provided, single submitter. Criteria: ACMG Guidelines, 2015. Collection method: clinical testing. Allele origin: germline.